The following is an entry in ClinVar:

NM_005035.4(POLRMT):c.2387T>C (p.Leu796Pro)

Gene: POLRMT (RNA polymerase mitochondrial; minus strand). Cytogenetic location: 19p13.3.
Variant type: single nucleotide variant.
Coding change: c.2387T>C on transcript NM_005035.4 (MANE Select); coding-DNA position 2387, T replaced by C.
Protein change: p.Leu796Pro; replaces leucine 796 with proline.
Molecular consequence: missense variant. On other transcripts: non-coding transcript variant (1).
Genome position (GRCh38, 1-based): chr19:621,311, A>G on the plus strand (T>C on the coding strand, the complement: POLRMT is on the minus strand). VCF-style: chr19-621311-A-G. GRCh37 (hg19) VCF-style: chr19-621311-A-G.
Other names: c.2387T>C, p.Leu796Pro (NM_001407805.1, NM_001407808.1, NM_001407812.1 and 4 more transcripts); c.2378T>C, p.Leu793Pro (NM_001407806.1, NM_001407809.1); c.2375T>C, p.Leu792Pro (NM_001407807.1, NM_001407810.1); c.2345T>C, p.Leu782Pro (NM_001407811.1, NM_001407813.1); c.2162T>C, p.Leu721Pro (NM_001407830.1, NM_001407832.1); c.2063T>C, p.Leu688Pro (NM_001407831.1, NM_001407833.1, NM_001407835.1 and 1 more transcripts); c.2054T>C, p.Leu685Pro (NM_001407834.1); short protein forms L685P, L688P, L721P, L782P, L792P, L793P, L796P.
Identifiers: ClinVar variation 4886644 (VCV004886644.2).

ClinVar aggregate classification (germline): Uncertain significance (1 of 4 stars; one submission).

gnomAD v4.1: 17 of 1,599,536 alleles (0.0011%); highest among the groups gnomAD compares: East Asian, 0.0022%; no homozygotes.

Submission:

Dasa
Classification: Uncertain significance. Last evaluated: 2026-01-07. Review status: criteria provided, single submitter. Criteria: DASA Assertion Criteria. Collection method: clinical testing. Allele origin: germline.
Comment: NM_005035.4(POLRMT):c.2387T>C (p.Leu796Pro) is a missense variant that results in the substitution of leucine with proline. This variant is rare in population databases. Computational prediction algorithms are consistent with a deleterious effect. The currently available literature and clinical evidence are not sufficient to establish a definitive association between this variant and the reported condition. Therefore, this variant is classified as a variant of uncertain significance.